The following is an entry in ClinVar:

NM_021927.3(GUF1):c.1441C>T (p.Pro481Ser)

Gene: GUF1 (GTP binding elongation factor GUF1; plus strand). Cytogenetic location: 4p12.
Variant type: single nucleotide variant.
Coding change: c.1441C>T on transcript NM_021927.3 (MANE Select); coding-DNA position 1441, C replaced by T.
Protein change: p.Pro481Ser; replaces proline 481 with serine.
Molecular consequence: missense variant.
Genome position (GRCh38, 1-based): chr4:44,690,822, C>T. VCF-style: chr4-44690822-C-T. GRCh37 (hg19) VCF-style: chr4-44692839-C-T.
Other names: c.469C>T, p.Pro157Ser (NM_001345867.2, NM_001345869.2); c.1441C>T, p.Pro481Ser (NM_001345868.2); short protein forms P157S, P481S.
Identifiers: ClinVar variation 1443782 (VCV001443782.8), dbSNP rs772094435, ClinGen allele CA2905641.

ClinVar aggregate classification (germline): Uncertain significance (1 of 4 stars; one submission).

Allele frequency attached by ClinVar (database versions not stated): gnomAD exomes 0.00004; ExAC 0.00006.
gnomAD v4.1: 26 of 1,601,794 alleles (0.0016%); highest among the groups gnomAD compares: South Asian, 0.029%; no homozygotes.

Submission:

Labcorp Genetics (formerly Invitae), Labcorp
Classification: Uncertain significance. Last evaluated: 2021-03-26. Review status: criteria provided, single submitter. Criteria: Invitae Variant Classification Sherloc (09022015). Collection method: clinical testing. Allele origin: germline.
Comment: In summary, the available evidence is currently insufficient to determine the role of this variant in disease. Therefore, it has been classified as a Variant of Uncertain Significance. Algorithms developed to predict the effect of missense changes on protein structure and function (SIFT, PolyPhen-2, Align-GVGD) all suggest that this variant is likely to be disruptive, but these predictions have not been confirmed by published functional studies and their clinical significance is uncertain. This variant has not been reported in the literature in individuals with GUF1-related conditions. This variant is present in population databases (rs772094435, ExAC 0.04%). This sequence change replaces proline with serine at codon 481 of the GUF1 protein (p.Pro481Ser). The proline residue is highly conserved and there is a moderate physicochemical difference between proline and serine.